The following is an entry in ClinVar:

NM_020376.4(PNPLA2):c.358C>T (p.Arg120Cys)

Gene: PNPLA2 (patatin like domain 2, triacylglycerol lipase; plus strand). Cytogenetic location: 11p15.5.
Variant type: single nucleotide variant.
Coding change: c.358C>T on transcript NM_020376.4 (MANE Select); coding-DNA position 358, C replaced by T.
Protein change: p.Arg120Cys; replaces arginine 120 with cysteine.
Molecular consequence: missense variant.
Genome position (GRCh38, 1-based): chr11:821,798, C>T. VCF-style: chr11-821798-C-T. GRCh37 (hg19) VCF-style: chr11-821798-C-T.
Other names: c.358C>T (NM_020376.3); short protein forms R120C.
Identifiers: ClinVar variation 1365987 (VCV001365987.5), dbSNP rs760827576, ClinGen allele CA5790945.

ClinVar aggregate classification (germline): Uncertain significance. Review status: criteria provided, multiple submitters, no conflicts (2 of 4 stars). 2 submissions from 2 submitters: Uncertain significance (2). Last evaluated 2025-05-06.

Conditions:
Inborn genetic diseases. Identifiers: MedGen C0950123, MeSH D030342.
Neutral lipid storage myopathy (NLSDM). Also called: NEUTRAL LIPID STORAGE DISEASE WITHOUT ICHTHYOSIS. Identifiers: Orphanet 98908, MedGen C1853136, MONDO:0012545, OMIM 610717.

Allele frequency attached by ClinVar (database versions not stated): gnomAD 0.00001; gnomAD exomes 0.00001; ExAC 0.00002; TOPMed 0.00002.
gnomAD v4.1: 20 of 1,613,830 alleles (0.0012%); highest among the groups gnomAD compares: East Asian, 0.0045%; no homozygotes.

Submissions (2):

Ambry Genetics
Classification: Uncertain significance for Inborn genetic diseases. Last evaluated: 2025-05-06. Review status: criteria provided, single submitter. Criteria: Ambry Variant Classification Scheme 2023. Collection method: clinical testing. Allele origin: germline.

Labcorp Genetics (formerly Invitae), Labcorp
Classification: Uncertain significance for Neutral lipid storage myopathy. Last evaluated: 2022-04-29. Review status: criteria provided, single submitter. Criteria: Invitae Variant Classification Sherloc (09022015). Collection method: clinical testing. Allele origin: germline.
Comment: This sequence change replaces arginine, which is basic and polar, with cysteine, which is neutral and slightly polar, at codon 120 of the PNPLA2 protein (p.Arg120Cys). This variant is present in population databases (rs760827576, gnomAD 0.01%). This variant has not been reported in the literature in individuals affected with PNPLA2-related conditions. Algorithms developed to predict the effect of missense changes on protein structure and function (SIFT, PolyPhen-2, Align-GVGD) all suggest that this variant is likely to be disruptive. In summary, the available evidence is currently insufficient to determine the role of this variant in disease. Therefore, it has been classified as a Variant of Uncertain Significance.